The following is an entry in ClinVar:

NM_014363.6(SACS):c.9656C>T (p.Ser3219Phe)

Gene: SACS (sacsin molecular chaperone; minus strand). Cytogenetic location: 13q12.12.
Variant type: single nucleotide variant.
Coding change: c.9656C>T on transcript NM_014363.6 (MANE Select); coding-DNA position 9656, C replaced by T.
Protein change: p.Ser3219Phe; replaces serine 3219 with phenylalanine.
Molecular consequence: missense variant.
Genome position (GRCh38, 1-based): chr13:23,334,220, G>A on the plus strand (C>T on the coding strand, the complement: SACS is on the minus strand). VCF-style: chr13-23334220-G-A. GRCh37 (hg19) VCF-style: chr13-23908359-G-A.
Other names: p.Ser3219Phe; c.9215C>T, p.Ser3072Phe (NM_001278055.2); c.9656C>T (NM_014363.5); short protein forms S3072F, S3219F.
Identifiers: ClinVar variation 3380136 (VCV003380136.2).
Genomic context (GRCh38, chr13:23,334,220, plus strand): 5'-GCAAAATTGTCTTTCCACTTTGTGCAACTTTTGGTCTTATATTCTCGAGGCAACACAGAG[G>A]ATAACAAATCAGCAAAGCTGGAAATGTCAAACACTTTTGCAACTTTACAGTTCAATAAAA-3'
Protein context (NP_055178.3, residues 3209-3229): FDISSFADLL[Ser3219Phe]SVLPREYKTK

ClinVar aggregate classification (germline): Uncertain significance. Review status: criteria provided, single submitter (1 of 4 stars). 2 submissions from 2 submitters: Uncertain significance (1). 1 of the submissions does not count toward it. Last evaluated 2023-12-07.

Conditions:
Charlevoix-Saguenay spastic ataxia (SACS). Also called: AUTOSOMAL RECESSIVE SPASTIC ATAXIA OF CHARLEVOIX-SAGUENAY; Spastic ataxia of Charlevoix-Saguenay; SPASTIC ATAXIA 6, AUTOSOMAL RECESSIVE. Identifiers: Orphanet 98, MedGen C1849140, MONDO:0010041, OMIM 270550.

gnomAD v4.1: 3 of 1,613,650 alleles (0.00019%); highest among the groups gnomAD compares: Non-Finnish European, 0.00025%; no homozygotes.

Submissions (2):

Mayo Clinic Laboratories, Mayo Clinic
Classification: Uncertain significance. Last evaluated: 2023-12-07. Review status: criteria provided, single submitter. Criteria: ACMG Guidelines, 2015. Collection method: clinical testing. Allele origin: germline. Observed: 1 variant allele.
Comment: BP4, PM2_moderate

Natera, Inc.
Classification: Uncertain significance for Charlevoix-Saguenay type spastic ataxia. Last evaluated: 2025-03-18. Review status: no assertion criteria provided. Collection method: clinical testing. Allele origin: germline. Not counted in ClinVar's aggregate classification.